The following is an entry in ClinVar:

NM_000891.3(KCNJ2):c.64G>A (p.Ala22Thr)

Gene: KCNJ2 (potassium inwardly rectifying channel subfamily J member 2; plus strand). Cytogenetic location: 17q24.3.
Variant type: single nucleotide variant.
Coding change: c.64G>A on transcript NM_000891.3 (MANE Select); coding-DNA position 64, G replaced by A.
Protein change: p.Ala22Thr; replaces alanine 22 with threonine.
Molecular consequence: missense variant.
Genome position (GRCh38, 1-based): chr17:70,175,103, G>A. VCF-style: chr17-70175103-G-A. GRCh37 (hg19) VCF-style: chr17-68171244-G-A.
Other names: short protein forms A22T.
Identifiers: ClinVar variation 3755672 (VCV003755672.2).

ClinVar aggregate classification (germline): Uncertain significance (1 of 4 stars; one submission).

Conditions:
Andersen Tawil syndrome (LQT7). Also called: ANDERSEN CARDIODYSRHYTHMIC PERIODIC PARALYSIS; LONG QT SYNDROME 7; PERIODIC PARALYSIS, POTASSIUM-SENSITIVE CARDIODYSRHYTHMIC TYPE; Andersen Syndrome; Potassium-sensitive periodic paralysis, ventricular ectopy, and dysmorphic features. Identifiers: Orphanet 37553, MedGen C1563715, MONDO:0008222, OMIM 170390.
Short QT syndrome type 3. Identifiers: Orphanet 51083, MedGen C1865018, MONDO:0012314, OMIM 609622.

gnomAD v4.1: 1 of 1,614,220 alleles (0.000062%); highest among the groups gnomAD compares: Non-Finnish European, 0.000085%; no homozygotes.

Submission:

Labcorp Genetics (formerly Invitae), Labcorp
Classification: Uncertain significance for Short QT syndrome type 3; Andersen Tawil syndrome. Last evaluated: 2024-04-03. Review status: criteria provided, single submitter. Criteria: Invitae Variant Classification Sherloc (09022015). Collection method: clinical testing. Allele origin: germline.
Comment: This sequence change replaces alanine, which is neutral and non-polar, with threonine, which is neutral and polar, at codon 22 of the KCNJ2 protein (p.Ala22Thr). This variant is not present in population databases (gnomAD no frequency). This variant has not been reported in the literature in individuals affected with KCNJ2-related conditions. An algorithm developed to predict the effect of missense changes on protein structure and function (PolyPhen-2) suggests that this variant is likely to be tolerated. In summary, the available evidence is currently insufficient to determine the role of this variant in disease. Therefore, it has been classified as a Variant of Uncertain Significance.